The following is an entry in ClinVar:

ClinVar aggregate classification (germline): Uncertain significance (1 of 4 stars; one submission).

Conditions:
Cardiovascular phenotype. Identifiers: MedGen CN230736.

Submission:

Ambry Genetics
Classification: Uncertain significance for Cardiovascular phenotype. Last evaluated: 2026-08-22. Review status: criteria provided, single submitter. Criteria: Ambry Variant Classification Scheme 2023. Collection method: clinical testing. Allele origin: germline.
Comment: The p.P1122L variant (also known as c.3365C>T), located in coding exon 49 of the COL1A2 gene, results from a C to T substitution at nucleotide position 3365. The proline at codon 1122 is replaced by leucine, an amino acid with similar properties. This amino acid position is conserved. In addition, this alteration is predicted to be deleterious by in silico analysis. Based on the available evidence, the clinical significance of this variant remains unclear.

NM_000089.4(COL1A2):c.3365C>T (p.Pro1122Leu)

Gene: COL1A2 (collagen type I alpha 2 chain; plus strand). Cytogenetic location: 7q21.3.
Variant type: single nucleotide variant.
Coding change: c.3365C>T on transcript NM_000089.4 (MANE Select); coding-DNA position 3365, C replaced by T.
Protein change: p.Pro1122Leu; replaces proline 1122 with leucine.
Molecular consequence: missense variant.
Genome position (GRCh38, 1-based): chr7:94,427,724, C>T. VCF-style: chr7-94427724-C-T. GRCh37 (hg19) VCF-style: chr7-94057036-C-T.
Other names: short protein forms P1122L.
Identifiers: ClinVar variation 5034737 (VCV005034737.1).